The following is an entry in ClinVar:

NM_032608.7(MYO18B):c.5341_5342dup (p.Leu1781fs)

Gene: MYO18B (myosin XVIIIB; plus strand). Cytogenetic location: 22q12.1.
Variant type: Duplication.
Coding change: c.5341_5342dup on transcript NM_032608.7 (MANE Select); coding-DNA positions 5341 to 5342, 2 bases duplicated (TT; older notation c.5341_5342dupTT).
Protein change: p.Leu1781fs; shifts the reading frame from leucine 1781.
Molecular consequence: frameshift variant.
Genome position (GRCh38, 1-based): chr22:25,911,027-25,911,028, TT duplicated. VCF-style (leftmost placement, unchanged base first): chr22-25911026-C-CTT. GRCh37 (hg19) VCF-style: chr22-26306993-C-CTT.
Other names: c.5344_5345dup, p.Leu1782fs (NM_001318245.2); short protein forms L1782fs, L1781fs.
Identifiers: ClinVar variation 3646004 (VCV003646004.2).

ClinVar aggregate classification (germline): Pathogenic (1 of 4 stars; one submission).

Submission:

Labcorp Genetics (formerly Invitae), Labcorp
Classification: Pathogenic. Last evaluated: 2024-10-15. Review status: criteria provided, single submitter. Criteria: Invitae Variant Classification Sherloc (09022015). Collection method: clinical testing. Allele origin: germline.
Comment: This sequence change creates a premature translational stop signal (p.Leu1781Phefs*2) in the MYO18B gene. It is expected to result in an absent or disrupted protein product. Loss-of-function variants in MYO18B are known to be pathogenic (PMID: 25748484, 32184166, 32637634). This variant is present in population databases (rs761660341, gnomAD 0.009%). This variant has not been reported in the literature in individuals affected with MYO18B-related conditions. For these reasons, this variant has been classified as Pathogenic.

Literature cited by the submitters: PubMed 25748484; PubMed 32184166; PubMed 32637634.